The following is an entry in ClinVar:

ClinVar aggregate classification (germline): Uncertain significance (1 of 4 stars; one submission).

Conditions:
Autoimmune lymphoproliferative syndrome, type III caused by mutation in PRKCD. Identifiers: Orphanet 3261, Orphanet 664711, MedGen C3809928, MONDO:8000024, OMIM 615559.

Submission:

Labcorp Genetics (formerly Invitae), Labcorp
Classification: Uncertain significance for Autoimmune lymphoproliferative syndrome, type III caused by mutation in PRKCD. Last evaluated: 2022-01-27. Review status: criteria provided, single submitter. Criteria: Invitae Variant Classification Sherloc (09022015). Collection method: clinical testing. Allele origin: germline.
Comment: This sequence change replaces lysine, which is basic and polar, with asparagine, which is neutral and polar, at codon 353 of the PRKCD protein (p.Lys353Asn). This variant is not present in population databases (gnomAD no frequency). This variant has not been reported in the literature in individuals affected with PRKCD-related conditions. Algorithms developed to predict the effect of missense changes on protein structure and function (SIFT, PolyPhen-2, Align-GVGD) all suggest that this variant is likely to be disruptive. In summary, the available evidence is currently insufficient to determine the role of this variant in disease. Therefore, it has been classified as a Variant of Uncertain Significance.

NM_006254.4(PRKCD):c.1059G>C (p.Lys353Asn)

Gene: PRKCD (protein kinase C delta; plus strand). Cytogenetic location: 3p21.1.
Variant type: single nucleotide variant.
Coding change: c.1059G>C on transcript NM_006254.4 (MANE Select); coding-DNA position 1059, G replaced by C.
Protein change: p.Lys353Asn; replaces lysine 353 with asparagine.
Molecular consequence: missense variant.
Genome position (GRCh38, 1-based): chr3:53,186,000, G>C. VCF-style: chr3-53186000-G-C. GRCh37 (hg19) VCF-style: chr3-53220016-G-C.
Other names: c.1059G>C, p.Lys353Asn (NM_001316327.2, NM_001354679.2, NM_001354680.2 and 1 more transcripts); c.1116G>C, p.Lys372Asn (NM_001354676.2); c.1107G>C, p.Lys369Asn (NM_001354678.2); short protein forms K353N, K369N, K372N.
Identifiers: ClinVar variation 2090417 (VCV002090417.4), dbSNP rs2471098101, ClinGen allele CA353221352.